The following is an entry in ClinVar:

ClinVar aggregate classification (germline): Uncertain significance. Review status: criteria provided, multiple submitters, no conflicts (2 of 4 stars). 2 submissions from 2 submitters: Uncertain significance (2). Last evaluated 2026-04-21.

Conditions:
Cardiovascular phenotype. Identifiers: MedGen CN230736.

Submissions (2):

Women's Health and Genetics/Laboratory Corporation of America, LabCorp
Classification: Uncertain significance. Last evaluated: 2026-04-21. Review status: criteria provided, single submitter. Criteria: LabCorp Variant Classification Summary - May 2015. Collection method: clinical testing. Allele origin: germline.
Comment: Variant summary: ZNF469 c.4102G>C (p.Val1368Leu) results in a conservative amino acid change in the encoded protein sequence. Algorithms developed to predict the effect of missense changes on protein structure and function are either unavailable or do not agree on the potential impact of this missense change. The variant was absent in 153746 control chromosomes. The available data on variant occurrences in the general population are insufficient to allow any conclusion about variant significance. To our knowledge, no occurrence of c.4102G>C in individuals affected with ZNF469-related conditions and no experimental evidence demonstrating its impact on protein function have been reported. ClinVar contains an entry for this variant (Variation ID: 2626108). Based on the evidence outlined above, the variant was classified as uncertain significance.

Ambry Genetics
Classification: Uncertain significance for Cardiovascular phenotype. Last evaluated: 2023-07-06. Review status: criteria provided, single submitter. Criteria: Ambry Variant Classification Scheme 2023. Collection method: clinical testing. Allele origin: germline.
Comment: The p.V1340L variant (also known as c.4018G>C), located in coding exon 2 of the ZNF469 gene, results from a G to C substitution at nucleotide position 4018. The valine at codon 1340 is replaced by leucine, an amino acid with highly similar properties. This amino acid position is conserved. In addition, this alteration is predicted to be tolerated by in silico analysis. Since supporting evidence is limited at this time, the clinical significance of this alteration remains unclear.

NM_001367624.2(ZNF469):c.4102G>C (p.Val1368Leu)

Gene: ZNF469 (zinc finger protein 469; plus strand). Cytogenetic location: 16q24.2.
Variant type: single nucleotide variant.
Coding change: c.4102G>C on transcript NM_001367624.2 (MANE Select); coding-DNA position 4102, G replaced by C.
Protein change: p.Val1368Leu; replaces valine 1368 with leucine.
Molecular consequence: missense variant.
Genome position (GRCh38, 1-based): chr16:88,431,572, G>C. VCF-style: chr16-88431572-G-C. GRCh37 (hg19) VCF-style: chr16-88497980-G-C.
Other names: NM_001127464.1:c.4018G>C; short protein forms V1368L.
Identifiers: ClinVar variation 2626108 (VCV002626108.3), dbSNP rs2507586278, ClinGen allele CA397089366.